The following is an entry in ClinVar:

NM_018897.3(DNAH7):c.1633C>T (p.Arg545Cys)

Gene: DNAH7 (dynein axonemal heavy chain 7; minus strand). Cytogenetic location: 2q32.3.
Variant type: single nucleotide variant.
Coding change: c.1633C>T on transcript NM_018897.3 (MANE Select); coding-DNA position 1633, C replaced by T.
Protein change: p.Arg545Cys; replaces arginine 545 with cysteine.
Molecular consequence: missense variant.
Genome position (GRCh38, 1-based): chr2:195,987,187, G>A on the plus strand (C>T on the coding strand, the complement: DNAH7 is on the minus strand). VCF-style: chr2-195987187-G-A. GRCh37 (hg19) VCF-style: chr2-196851911-G-A.
Other names: short protein forms R545C.
Identifiers: ClinVar variation 402755 (VCV000402755.5), dbSNP rs10931715, ClinGen allele CA2036580.

ClinVar aggregate classification (germline): Benign. Review status: criteria provided, multiple submitters, no conflicts (2 of 4 stars). 2 submissions from 2 submitters: Benign (2). Last evaluated 2016-03-29.

Allele frequency attached by ClinVar (database versions not stated): TOPMed 0.51921; ESP Exome Variant Server 0.52563; gnomAD 0.52883 and 0.53967; 1000 Genomes Project 30x 0.53857; 1000 Genomes Project 0.54073; ExAC 0.63121; gnomAD exomes 0.63554 and 0.65858.
gnomAD v4.1: 1,016,407 of 1,573,502 alleles (65%); highest among the groups gnomAD compares: South Asian, 71%; 336,717 homozygotes.

Submissions (2):

Laboratory for Molecular Medicine, Mass General Brigham Personalized Medicine
Classification: Benign. Last evaluated: 2016-03-29. Review status: criteria provided, single submitter. Criteria: LMM Criteria. Collection method: clinical testing. Allele origin: germline.
Comment: Variant identified in a genome or exome case(s) and assessed due to predicted null impact of the variant or pathogenic assertions in the literature or databases. Disclaimer: This variant has not undergone full assessment. The following are preliminary notes: Frequency

Breakthrough Genomics
Classification: Benign. Review status: criteria provided, single submitter. Criteria: ACMG Guidelines, 2015. Collection method: not provided. Allele origin: germline. Inheritance: Unknown mechanism. Affected: yes.